The following is an entry in ClinVar:

ClinVar aggregate classification (germline): Uncertain significance. Review status: criteria provided, multiple submitters, no conflicts (2 of 4 stars). 2 submissions from 2 submitters: Uncertain significance (2). Last evaluated 2025-03-31.

Conditions:
Arterial tortuosity syndrome (ATORS). Identifiers: Orphanet 3342, MedGen C1859726, MONDO:0008818, OMIM 208050.
Familial thoracic aortic aneurysm and aortic dissection (TAAD). Also called: Thoracic aortic aneurysms and dissections. Identifiers: Orphanet 91387, MedGen C4707243, MONDO:0019625.

Allele frequency attached by ClinVar (database versions not stated): ExAC 0.00002; gnomAD 0.00003; gnomAD exomes 0.00003 and 0.00006; TOPMed 0.00003; ESP Exome Variant Server 0.00008.
gnomAD v4.1: 87 of 1,614,048 alleles (0.0054%); highest among the groups gnomAD compares: Non-Finnish European, 0.007%; no homozygotes.

Submissions (2):

Ambry Genetics
Classification: Uncertain significance for Familial thoracic aortic aneurysm and aortic dissection. Last evaluated: 2025-03-31. Review status: criteria provided, single submitter. Criteria: Ambry Variant Classification Scheme 2023. Collection method: clinical testing. Allele origin: germline.
Comment: The p.F40S variant (also known as c.119T>C), located in coding exon 2 of the SLC2A10 gene, results from a T to C substitution at nucleotide position 119. The phenylalanine at codon 40 is replaced by serine, an amino acid with highly dissimilar properties. This amino acid position is not well conserved in available vertebrate species. In addition, the in silico prediction for this alteration is inconclusive. Since supporting evidence is limited at this time, the clinical significance of this alteration remains unclear.

Labcorp Genetics (formerly Invitae), Labcorp
Classification: Uncertain significance for Arterial tortuosity syndrome. Last evaluated: 2022-05-04. Review status: criteria provided, single submitter. Criteria: Invitae Variant Classification Sherloc (09022015). Collection method: clinical testing. Allele origin: germline.
Comment: This sequence change replaces phenylalanine, which is neutral and non-polar, with serine, which is neutral and polar, at codon 40 of the SLC2A10 protein (p.Phe40Ser). This variant is present in population databases (rs372166877, gnomAD 0.006%). This variant has not been reported in the literature in individuals affected with SLC2A10-related conditions. ClinVar contains an entry for this variant (Variation ID: 264055). Advanced modeling of protein sequence and biophysical properties (such as structural, functional, and spatial information, amino acid conservation, physicochemical variation, residue mobility, and thermodynamic stability) performed at Invitae indicates that this missense variant is expected to disrupt SLC2A10 protein function. In summary, the available evidence is currently insufficient to determine the role of this variant in disease. Therefore, it has been classified as a Variant of Uncertain Significance.

NM_030777.4(SLC2A10):c.119T>C (p.Phe40Ser)

Gene: SLC2A10 (solute carrier family 2 member 10; plus strand). Cytogenetic location: 20q13.12.
Variant type: single nucleotide variant.
Coding change: c.119T>C on transcript NM_030777.4 (MANE Select); coding-DNA position 119, T replaced by C.
Protein change: p.Phe40Ser; replaces phenylalanine 40 with serine.
Molecular consequence: missense variant.
Genome position (GRCh38, 1-based): chr20:46,725,155, T>C. VCF-style: chr20-46725155-T-C. GRCh37 (hg19) VCF-style: chr20-45353794-T-C.
Other names: short protein forms F40S.
Identifiers: ClinVar variation 264055 (VCV000264055.11), dbSNP rs372166877, ClinGen allele CA9891917.